The following is an entry in ClinVar:

NM_001080453.3(INTS1):c.765G>A (p.Thr255=)

Gene: INTS1 (integrator complex subunit 1; minus strand). Cytogenetic location: 7p22.3.
Variant type: single nucleotide variant.
Coding change: c.765G>A on transcript NM_001080453.3 (MANE Select); coding-DNA position 765, G replaced by A.
Protein change: p.Thr255=; no amino-acid change (threonine 255 retained).
Molecular consequence: synonymous variant.
Genome position (GRCh38, 1-based): chr7:1,499,552, C>T on the plus strand (G>A on the coding strand, the complement: INTS1 is on the minus strand). VCF-style: chr7-1499552-C-T. GRCh37 (hg19) VCF-style: chr7-1539188-C-T.
Identifiers: ClinVar variation 2657217 (VCV002657217.24), dbSNP rs201273911, ClinGen allele CA4120648.

ClinVar aggregate classification (germline): Likely benign (1 of 4 stars; one submission).

Allele frequency attached by ClinVar (database versions not stated): 1000 Genomes Project 0.00160; gnomAD 0.00164; ESP Exome Variant Server 0.00170; TOPMed 0.00206; ExAC 0.00065; 1000 Genomes Project 30x 0.00156.

Submission:

CeGaT Center for Human Genetics Tuebingen
Classification: Likely benign. Last evaluated: 2022-03-01. Review status: criteria provided, single submitter. Criteria: CeGaT Center For Human Genetics Tuebingen Variant Classification Criteria Version 2. Collection method: clinical testing. Allele origin: germline. Affected: yes. Observed: 1 variant allele.
Comment: INTS1: BP4, BP7